The following is an entry in ClinVar:

ClinVar aggregate classification (germline): Pathogenic. Review status: criteria provided, multiple submitters, no conflicts (2 of 4 stars). 2 submissions from 2 submitters: Pathogenic (2). Last evaluated 2023-05-14.

Conditions:
Leber congenital amaurosis 1 (LCA1). Also called: Congenital absence of the rods and cones; Leber's congenital tapetoretinal degeneration; Leber's congenital tapetoretinal dysplasia; AMAUROSIS CONGENITA OF LEBER I; RETINAL BLINDNESS, CONGENITAL. Identifiers: Orphanet 65, MedGen C2931258, MONDO:0008764, OMIM 204000.

Allele frequency attached by ClinVar (database versions not stated): gnomAD exomes 0.00001; TOPMed 0.00001; ExAC 0.00002; gnomAD 0.00003.
gnomAD v4.1: 4 of 1,613,828 alleles (0.00025%); highest among the groups gnomAD compares: Non-Finnish European, 0.00034%; no homozygotes.

Submissions (2):

Labcorp Genetics (formerly Invitae), Labcorp
Classification: Pathogenic. Last evaluated: 2023-05-14. Review status: criteria provided, single submitter. Criteria: Invitae Variant Classification Sherloc (09022015). Collection method: clinical testing. Allele origin: germline.
Comment: This sequence change creates a premature translational stop signal (p.Tyr520*) in the TULP1 gene. While this is not anticipated to result in nonsense mediated decay, it is expected to disrupt the last 23 amino acid(s) of the TULP1 protein. This variant is present in population databases (rs773968778, gnomAD 0.002%). This premature translational stop signal has been observed in individual(s) with retinitis pigmentosa (PMID: 33851411). ClinVar contains an entry for this variant (Variation ID: 802207). Algorithms developed to predict the effect of sequence changes on RNA splicing suggest that this variant may create or strengthen a splice site. For these reasons, this variant has been classified as Pathogenic.

Mendelics
Classification: Pathogenic for Leber congenital amaurosis 1. Last evaluated: 2019-05-28. Review status: criteria provided, single submitter. Criteria: Mendelics Assertion Criteria 2017. Collection method: clinical testing. Allele origin: unknown.

Literature cited by the submitters: PubMed 33851411 (cited by Labcorp Genetics (formerly Invitae), Labcorp).

NM_003322.6(TULP1):c.1560C>A (p.Tyr520Ter)

Gene: TULP1 (TUB like protein 1; minus strand). Cytogenetic location: 6p21.31.
Variant type: single nucleotide variant.
Coding change: c.1560C>A on transcript NM_003322.6 (MANE Select); coding-DNA position 1560, C replaced by A.
Protein change: p.Tyr520Ter; replaces tyrosine 520 with a stop codon.
Molecular consequence: nonsense.
Genome position (GRCh38, 1-based): chr6:35,498,396, G>T on the plus strand (C>A on the coding strand, the complement: TULP1 is on the minus strand). VCF-style: chr6-35498396-G-T. GRCh37 (hg19) VCF-style: chr6-35466173-G-T.
Other names: c.1401C>A, p.Tyr467Ter (NM_001289395.2); short protein forms Y467*, Y520*.
Identifiers: ClinVar variation 802207 (VCV000802207.5), dbSNP rs773968778, ClinGen allele CA3772515.